The following is an entry in ClinVar:

NM_000277.3(PAH):c.842+2T>A

Gene: PAH (phenylalanine hydroxylase; minus strand). Cytogenetic location: 12q23.2.
Variant type: single nucleotide variant.
Coding change: c.842+2T>A on transcript NM_000277.3 (MANE Select); the canonical splice donor site of the intron after coding-DNA position 842, T replaced by A.
Molecular consequence: splice donor variant.
Genome position (GRCh38, 1-based): chr12:102,852,813, A>T on the plus strand (T>A on the coding strand, the complement: PAH is on the minus strand). VCF-style: chr12-102852813-A-T. GRCh37 (hg19) VCF-style: chr12-103246591-A-T.
Other names: IVS7DS, T-A, +2; c.842+2T>A (NM_001354304.2).
Identifiers: ClinVar variation 614 (VCV000000614.94), dbSNP rs62514955, ClinGen allele CA229813.

ClinVar aggregate classification (germline): Pathogenic. Review status: reviewed by expert panel (3 of 4 stars). 6 submissions from 6 submitters: Pathogenic (1). 5 of the submissions do not count toward it. Last evaluated 2020-04-16.

Conditions:
Phenylketonuria (PKU). Also called: FOLLING DISEASE; Phenylketonuria (PKU); OLIGOPHRENIA PHENYLPYRUVICA; Phenylketonurias. Identifiers: Orphanet 716, MedGen C0031485, MONDO:0009861, OMIM 261600. Disease mechanism: loss of function.

Allele frequency attached by ClinVar (database versions not stated): TOPMed below 0.00001; gnomAD exomes below 0.00001.
gnomAD v4.1: 1 of 1,613,996 alleles (0.000062%); highest among the groups gnomAD compares: East Asian, 0.0022%; no homozygotes.

Submissions (6):

ClinGen PAH Variant Curation Expert Panel
Classification: Pathogenic for Phenylketonuria. Last evaluated: 2020-04-16. Review status: reviewed by expert panel. Criteria: ClinGen PAH ACMG Specifications v1. Collection method: curation. Allele origin: germline. Inheritance: Autosomal recessive inheritance.
Comment: The c.842+2T>A variant in PAH is a splice-site variant predicted to result in skipping of exon 8, leading to a frameshift, premature protein truncation, and NMD (PVS1). It is absent from ethnically diverse control databases, including gnomAD/ExAC, 1000 Genomes, and ESP (PM2). It is reported Pathogenic in Clinvar (ID 614). It has been reported among multiple patients with classic PKU, with BH4 deficiency formally excluded (PMID: 17557229; PMID: 21307867) (PP4_Moderate) and has been reported in trans with multiple Pathogenic and Likely Pathogenic mutations, including R111X (P, ClinGen); P281L (P, ClinGen); R413P (P, ClinGen); R243Q (P, ClinGen); R261Q (LP/P, ClinGen); R400T (unknown, ClinGen) (PMID: 17557229) (PM3_Strong). Classification: Pathogenic Supporting Criteria: PVS1, PM2, PM3_Strong, PP4_Moderate

Labcorp Genetics (formerly Invitae), Labcorp
Classification: Pathogenic for Phenylketonuria. Last evaluated: 2025-06-17. Review status: criteria provided, single submitter. Criteria: Invitae Variant Classification Sherloc (09022015). Collection method: clinical testing. Allele origin: germline. Not counted in ClinVar's aggregate classification.
Comment: This sequence change affects a donor splice site in intron 7 of the PAH gene. It is expected to disrupt RNA splicing. Variants that disrupt the donor or acceptor splice site typically lead to a loss of protein function (PMID: 16199547), and loss-of-function variants in PAH are known to be pathogenic (PMID: 1301187, 9634518). This variant is not present in population databases (gnomAD no frequency). Disruption of this splice site has been observed in individuals with phenylketonuria (PMID: 26322415, 27264808). This variant is also known as IVS7+2T>A. ClinVar contains an entry for this variant (Variation ID: 614). Algorithms developed to predict the effect of sequence changes on RNA splicing suggest that this variant may disrupt the consensus splice site. For these reasons, this variant has been classified as Pathogenic.

Baylor Genetics
Classification: Pathogenic for Phenylketonuria. Last evaluated: 2024-03-09. Review status: criteria provided, single submitter. Criteria: ACMG Guidelines, 2015. Collection method: clinical testing. Allele origin: unknown. Not counted in ClinVar's aggregate classification.

Juno Genomics, Hangzhou Juno Genomics, Inc
Classification: Pathogenic for Phenylketonuria. Review status: criteria provided, single submitter. Criteria: ACMG Guidelines, 2015. Collection method: clinical testing. Allele origin: germline. Not counted in ClinVar's aggregate classification.
Comment: Absent from controls (or at extremely low frequency if recessive) in Genome Aggregation Database.;Null variant in a gene where loss of function (LOF) is a known mechanism of disease.;For recessive disorders, detected in trans with a pathogenic variant.;Patient's phenotype or family history is highly specific for a disease with a single genetic etiology.

OMIM
Classification: Pathogenic for PHENYLKETONURIA. Last evaluated: 1989-11-01. Review status: no assertion criteria provided. Collection method: literature only. Allele origin: germline. Not counted in ClinVar's aggregate classification.

DeBelle Laboratory for Biochemical Genetics, MUHC/MCH RESEARCH INSTITUTE
No classification provided. Review status: no classification provided. Collection method: not provided. Allele origin: not provided. Not counted in ClinVar's aggregate classification.

Literature cited by the submitters: PubMed 21307867 (cited by ClinGen PAH Variant Curation Expert Panel); PubMed 17557229 (cited by ClinGen PAH Variant Curation Expert Panel); PubMed 1349576 (cited by ClinGen PAH Variant Curation Expert Panel); PubMed 16199547 (cited by Labcorp Genetics (formerly Invitae), Labcorp); PubMed 1301187 (cited by Labcorp Genetics (formerly Invitae), Labcorp); PubMed 9634518 (cited by Labcorp Genetics (formerly Invitae), Labcorp); PubMed 26322415 (cited by Labcorp Genetics (formerly Invitae), Labcorp); PubMed 27264808 (cited by Labcorp Genetics (formerly Invitae), Labcorp); PubMed 2816939 (cited by OMIM).